The following is an entry in ClinVar:

ClinVar aggregate classification (germline): Pathogenic. Review status: criteria provided, multiple submitters, no conflicts (2 of 4 stars). 3 submissions from 3 submitters: Pathogenic (2). 1 of the submissions does not count toward it. Last evaluated 2025-06-22.

Conditions:
Metachromatic leukodystrophy (MLD). Also called: Cerebral sclerosis diffuse metachromatic form; Arylsulfatase A Deficiency; ARSA DEFICIENCY; CEREBROSIDE SULFATASE DEFICIENCY; METACHROMATIC LEUKOENCEPHALOPATHY; SULFATIDE LIPIDOSIS. Identifiers: Orphanet 512, MedGen C0023522, MONDO:0018868, OMIM 250100.

Submissions (3):

Labcorp Genetics (formerly Invitae), Labcorp
Classification: Pathogenic for Metachromatic leukodystrophy. Last evaluated: 2025-06-22. Review status: criteria provided, single submitter. Criteria: Invitae Variant Classification Sherloc (09022015). Collection method: clinical testing. Allele origin: germline.
Comment: This sequence change creates a premature translational stop signal (p.Arg99Profs*35) in the ARSA gene. It is expected to result in an absent or disrupted protein product. Loss-of-function variants in ARSA are known to be pathogenic (PMID: 8962139, 10477432). This variant is not present in population databases (gnomAD no frequency). This premature translational stop signal has been observed in individual(s) with metachromatic leukodystrophy (PMID: 33385934). ClinVar contains an entry for this variant (Variation ID: 554584). For these reasons, this variant has been classified as Pathogenic.

Women's Health and Genetics/Laboratory Corporation of America, LabCorp
Classification: Pathogenic for Metachromatic leukodystrophy. Last evaluated: 2024-10-15. Review status: criteria provided, single submitter. Criteria: LabCorp Variant Classification Summary - May 2015. Collection method: clinical testing. Allele origin: germline.
Comment: Variant summary: ARSA c.295dupC (p.Arg99ProfsX35) results in a premature termination codon, predicted to cause a truncation of the encoded protein or absence of the protein due to nonsense mediated decay, which are commonly known mechanisms for disease. The variant was absent in 204928 control chromosomes. c.295dupC has been reported in the literature in individuals affected with Metachromatic Leukodystrophy (example: Mahdieh_2021). The following publication has been ascertained in the context of this evaluation (PMID: 33385934). ClinVar contains an entry for this variant (Variation ID: 554584). Based on the evidence outlined above, the variant was classified as pathogenic.

Counsyl
Classification: Likely pathogenic for Metachromatic leukodystrophy. Last evaluated: 2017-10-26. Review status: no assertion criteria provided. Collection method: clinical testing. Allele origin: unknown. Not counted in ClinVar's aggregate classification.

Literature cited by the submitters: PubMed 8962139 (cited by Labcorp Genetics (formerly Invitae), Labcorp); PubMed 10477432 (cited by Labcorp Genetics (formerly Invitae), Labcorp); PubMed 33385934 (cited by Labcorp Genetics (formerly Invitae), Labcorp and Women's Health and Genetics/Laboratory Corporation of America, LabCorp).

NM_000487.6(ARSA):c.295dup (p.Arg99fs)

Gene: ARSA (arylsulfatase A; minus strand). Cytogenetic location: 22q13.33.
Variant type: Duplication.
Coding change: c.295dup on transcript NM_000487.6 (MANE Select); coding-DNA position 295, one base duplicated (C; older notation c.295dupC).
Protein change: p.Arg99fs; shifts the reading frame from arginine 99.
Molecular consequence: frameshift variant.
Genome position (GRCh38, 1-based): chr22:50,627,336, G duplicated on the plus strand (C on the coding strand, the reverse complement: ARSA is on the minus strand); the first of 3 consecutive G bases (chr22:50,627,336-50,627,338); duplicating any one gives the same sequence. VCF-style (leftmost placement, unchanged base first): chr22-50627335-C-CG. GRCh37 (hg19) VCF-style: chr22-51065763-C-CG.
Other names: c.295dupC (NM_000487.6, NM_000487.5); c.295dup, p.Arg99fs (NM_001085425.3, NM_001085426.3, NM_001085427.3); c.37dup, p.Arg13fs (NM_001085428.3, NM_001362782.2); short protein forms R13fs, R99fs.
Identifiers: ClinVar variation 554584 (VCV000554584.9), dbSNP rs1555901056, ClinGen allele CA658824689.